The following is an entry in ClinVar:

NM_001854.4(COL11A1):c.3168+7A>G

Gene: COL11A1 (collagen type XI alpha 1 chain; minus strand). Cytogenetic location: 1p21.1.
Variant type: single nucleotide variant.
Coding change: c.3168+7A>G on transcript NM_001854.4 (MANE Select); 7 bases into the intron after coding-DNA position 3168, A replaced by G.
Molecular consequence: intron variant.
Genome position (GRCh38, 1-based): chr1:102,961,859, T>C on the plus strand (A>G on the coding strand, the complement: COL11A1 is on the minus strand). VCF-style: chr1-102961859-T-C. GRCh37 (hg19) VCF-style: chr1-103427415-T-C.
Other names: c.3051+7A>G (NM_001190709.2); c.3204+7A>G (NM_080629.3); c.2820+7A>G (NM_080630.4).
Identifiers: ClinVar variation 3640384 (VCV003640384.2).

ClinVar aggregate classification (germline): Uncertain significance (1 of 4 stars; one submission).

Submission:

Labcorp Genetics (formerly Invitae), Labcorp
Classification: Uncertain significance. Last evaluated: 2024-05-27. Review status: criteria provided, single submitter. Criteria: Invitae Variant Classification Sherloc (09022015). Collection method: clinical testing. Allele origin: germline.
Comment: This sequence change falls in intron 41 of the COL11A1 gene. It does not directly change the encoded amino acid sequence of the COL11A1 protein. This variant is not present in population databases (gnomAD no frequency). This variant has not been reported in the literature in individuals affected with COL11A1-related conditions. Algorithms developed to predict the effect of sequence changes on RNA splicing suggest that this variant may disrupt the consensus splice site. In summary, the available evidence is currently insufficient to determine the role of this variant in disease. Therefore, it has been classified as a Variant of Uncertain Significance.